The following is an entry in ClinVar:

NM_018192.4(P3H2):c.169A>C (p.Ser57Arg)

Gene: P3H2 (prolyl 3-hydroxylase 2; minus strand). Cytogenetic location: 3q28.
Variant type: single nucleotide variant.
Coding change: c.169A>C on transcript NM_018192.4 (MANE Select); coding-DNA position 169, A replaced by C.
Protein change: p.Ser57Arg; replaces serine 57 with arginine.
Molecular consequence: missense variant. On other transcripts: intron variant (1).
Genome position (GRCh38, 1-based): chr3:190,120,563, T>G on the plus strand (A>C on the coding strand, the complement: P3H2 is on the minus strand). VCF-style: chr3-190120563-T-G. GRCh37 (hg19) VCF-style: chr3-189838352-T-G.
Other names: c.-64+1640A>C (NM_001134418.2); short protein forms S57R.
Identifiers: ClinVar variation 1365190 (VCV001365190.6), dbSNP rs1270664458, ClinGen allele CA355860030.

ClinVar aggregate classification (germline): Uncertain significance (1 of 4 stars; one submission).

Allele frequency attached by ClinVar (database versions not stated): gnomAD exomes 0.00001; TOPMed 0.00001.
gnomAD v4.1: 7 of 1,537,442 alleles (0.00046%); highest among the groups gnomAD compares: Non-Finnish European, 0.00061%; no homozygotes.

Submission:

Labcorp Genetics (formerly Invitae), Labcorp
Classification: Uncertain significance. Last evaluated: 2024-02-24. Review status: criteria provided, single submitter. Criteria: Invitae Variant Classification Sherloc (09022015). Collection method: clinical testing. Allele origin: germline.
Comment: This sequence change replaces serine, which is neutral and polar, with arginine, which is basic and polar, at codon 57 of the P3H2 protein (p.Ser57Arg). This variant is present in population databases (no rsID available, gnomAD 0.002%). This variant has not been reported in the literature in individuals affected with P3H2-related conditions. ClinVar contains an entry for this variant (Variation ID: 1365190). Algorithms developed to predict the effect of missense changes on protein structure and function output the following: SIFT: "Not Available"; PolyPhen-2: "Benign"; Align-GVGD: "Not Available". The arginine amino acid residue is found in multiple mammalian species, which suggests that this missense change does not adversely affect protein function. In summary, the available evidence is currently insufficient to determine the role of this variant in disease. Therefore, it has been classified as a Variant of Uncertain Significance.